The following is an entry in ClinVar:

ClinVar aggregate classification (germline): Uncertain significance (1 of 4 stars; one submission).

Conditions:
Hereditary spastic paraplegia 30. Identifiers: Orphanet 101010, MedGen C5235139, MONDO:0012476.
Neuropathy, hereditary sensory, type 2C. Also called: Hereditary sensory and autonomic neuropathy type IIC; KIF1A-Related HSAN2 (HSAN2C). Identifiers: Orphanet 970, MedGen C3280168, MONDO:0013634, OMIM 614213.
Intellectual disability, autosomal dominant 9 (NESCAVS). Also called: NESCAV SYNDROME; KIF1A-Related Neurodevelopmental Disorder. Identifiers: Orphanet 662367, MedGen C5393830, MONDO:0013656, OMIM 614255.

Submission:

Labcorp Genetics (formerly Invitae), Labcorp
Classification: Uncertain significance for Hereditary spastic paraplegia 30; Neuropathy, hereditary sensory, type 2C; Intellectual disability, autosomal dominant 9. Last evaluated: 2022-10-25. Review status: criteria provided, single submitter. Criteria: Invitae Variant Classification Sherloc (09022015). Collection method: clinical testing. Allele origin: germline.
Comment: In summary, the available evidence is currently insufficient to determine the role of this variant in disease. Therefore, it has been classified as a Variant of Uncertain Significance. This variant has not been reported in the literature in individuals affected with KIF1A-related conditions. This variant results in a copy number gain of the genomic region encompassing exon(s) 20-46 of the KIF1A gene. This region includes the termination codon of the gene. This copy number gain extends beyond the assayed region for this gene and therefore may encompass additional genes. As the precise location of this event is unknown, it may be in tandem or it may be located elsewhere in the genome.

NC_000002.11:g.(?_241656761)_(241702528_?)dup

Gene: KIF1A (kinesin family member 1A; minus strand). Cytogenetic location: 2q37.3.
Variant type: Duplication.
Identifiers: ClinVar variation 1411135 (VCV001411135.7).